The following is an entry in ClinVar:

NM_006231.4(POLE):c.846C>T (p.Pro282=)

Gene: POLE (DNA polymerase epsilon, catalytic subunit; minus strand). Cytogenetic location: 12q24.33.
Variant type: single nucleotide variant.
Coding change: c.846C>T on transcript NM_006231.4 (MANE Select); coding-DNA position 846, C replaced by T.
Protein change: p.Pro282=; no amino-acid change (proline 282 retained).
Molecular consequence: synonymous variant.
Genome position (GRCh38, 1-based): chr12:132,676,609, G>A on the plus strand (C>T on the coding strand, the complement: POLE is on the minus strand). VCF-style: chr12-132676609-G-A. GRCh37 (hg19) VCF-style: chr12-133253195-G-A.
Identifiers: ClinVar variation 240632 (VCV000240632.45), dbSNP rs5744758, ClinGen allele CA6894159.

ClinVar aggregate classification (germline): Benign/Likely benign. Review status: criteria provided, multiple submitters, no conflicts (2 of 4 stars). 16 submissions from 16 submitters: Benign (11); Likely benign (4). 1 of the submissions does not count toward it. Last evaluated 2026-02-04.

Conditions:
Polymerase proofreading-related adenomatous polyposis. Also called: Polymerase proofreading associated polyposis; Polymerase proofreading–associated polyposis (PPAP). Identifiers: Orphanet 447877, MedGen C5202613, MONDO:0018653.
Familial colorectal cancer type X. Identifiers: Orphanet 440437, MedGen C3896578, MONDO:0018604.
Intrauterine growth retardation, metaphyseal dysplasia, adrenal hypoplasia congenita, genital anomalies, and immunodeficiency. Also called: IMAGEI SYNDROME. Identifiers: MedGen C5193036, MONDO:0032684, OMIM 618336.
Facial dysmorphism-immunodeficiency-livedo-short stature syndrome. Also called: FILS syndrome; Facial dysmorphism, immunodeficiency, livedo, and short stature. Identifiers: Orphanet 352712, MedGen C3554576, MONDO:0014058, OMIM 615139.
Colorectal cancer, susceptibility to, 12 (CRCS12). Also called: COLORECTAL CANCER, SUSCEPTIBILITY TO, ON CHROMOSOME 12q24. Identifiers: Orphanet 220460, MedGen C3554460, MONDO:0014038, OMIM 615083.
Hereditary cancer-predisposing syndrome. Also called: Tumor predisposition; Hereditary Cancer Syndrome; Neoplastic Syndromes, Hereditary; Hereditary neoplastic syndrome. Identifiers: Orphanet 140162, MedGen C0027672, MeSH D009386, MONDO:0015356.

Allele frequency attached by ClinVar (database versions not stated): gnomAD exomes 0.00082; ExAC 0.00104; gnomAD 0.00275 and 0.00291; ESP Exome Variant Server 0.00277; TOPMed 0.00305; 1000 Genomes Project 0.00359; 1000 Genomes Project 30x 0.00375.
gnomAD v4.1: 835 of 1,613,934 alleles (0.052%); highest among the groups gnomAD compares: African/African-American, 1%; 5 homozygotes.

Submissions (16):

Labcorp Genetics (formerly Invitae), Labcorp
Classification: Benign. Last evaluated: 2026-02-04. Review status: criteria provided, single submitter. Criteria: Invitae Variant Classification Sherloc (09022015). Collection method: clinical testing. Allele origin: germline.

CeGaT Center for Human Genetics Tuebingen
Classification: Likely benign. Last evaluated: 2026-01-01. Review status: criteria provided, single submitter. Criteria: CeGaT Center For Human Genetics Tuebingen Variant Classification Criteria Version 2. Collection method: clinical testing. Allele origin: germline. Affected: yes. Observed: 2 variant alleles.
Comment: POLE: BP4, BP7, BS1

Myriad Genetics, Inc.
Classification: Benign for Colorectal cancer, susceptibility to, 12. Last evaluated: 2025-02-07. Review status: criteria provided, single submitter. Criteria: Myriad Autosomal Dominant, Autosomal Recessive and X-Linked Classification Criteria (2023). Collection method: clinical testing. Allele origin: unknown.
Comment: This variant is considered benign. This variant is a silent/synonymous amino acid change and it is not expected to impact splicing.

Institute for Biomarker Research, Medical Diagnostic Laboratories, L.L.C.
Classification: Benign for Hereditary cancer-predisposing syndrome. Last evaluated: 2025-01-27. Review status: criteria provided, single submitter. Criteria: ACMG Guidelines, 2015. Collection method: clinical testing. Allele origin: germline.
Comment: The synonymous variant NM_006231.4(POLE):c.846C>T (p.Pro282=) has been reported to ClinVar as Benign/Likely benign with a status of (2 stars) criteria provided, multiple submitters, no conflicts (Variation ID 240632 as of 2025-01-02). . The p.Pro282= variant is observed in 18/5,008 (0.3594%) alleles from individuals of 1kG All background in 1kG, which is greater than expected for the disorder. The p.Pro282= variant is not predicted to disrupt an existing splice site. The p.Pro282= variant results in a substitution of a base that is not predicted conserved by GERP++ and PhyloP. For these reasons, this variant has been classified as Benign.

Department of Pathology and Laboratory Medicine, Sinai Health System
Classification: Likely benign for Polymerase proofreading-related adenomatous polyposis; Familial colorectal cancer type X. Last evaluated: 2024-11-04. Review status: criteria provided, single submitter. Criteria: ACMG Guidelines, 2015. Collection method: clinical testing. Allele origin: germline. Affected: yes.

Blueprint Genetics
Classification: Likely benign. Last evaluated: 2024-09-09. Review status: criteria provided, single submitter. Criteria: ACMG Guidelines, 2015. Collection method: clinical testing. Allele origin: germline.

Molecular Diagnostics Laboratory, Catalan Institute of Oncology
Classification: Benign for Hereditary cancer-predisposing syndrome. Last evaluated: 2024-09-02. Review status: criteria provided, single submitter. Criteria: Submitter's publication. Collection method: clinical testing. Allele origin: germline.
Comment: BA1, BP4, BP7, BS2_supporting c.846C>T, located in exon 9 of the POLE gene, is predicted to result in no amino acid change, p.(Pro282=)(BP7). This variant is found in 258/23602, at a frequency of 0.98% in the gnomAD v2.1.1 database, African subset only non-cancer data set (BA1). The SpliceAI algorithm predicts no significant impact on splicing for the variant and its isoforms (BP4). Identified two homozygous in African population(gnomAD non cancer data) (BS2_supporting). To our knowledge, neither clinical data nor functional studies have been reported for this variant. This variant has been identified in ClinVar (8x benign, 2x likely benign) and LOVD (1x benign) databases. Based on currently available information, the variant c.846C>T is classified as a benign variant according to ACMG guidelines.

KCCC/NGS Laboratory, Kuwait Cancer Control Center
Classification: Benign for Colorectal cancer, susceptibility to, 12. Last evaluated: 2023-07-07. Review status: criteria provided, single submitter. Criteria: ACMG Guidelines, 2015. Collection method: clinical testing. Allele origin: germline. Affected: yes.

Quest Diagnostics Nichols Institute San Juan Capistrano
Classification: Benign. Last evaluated: 2023-06-20. Review status: criteria provided, single submitter. Criteria: Quest Diagnostics criteria. Collection method: clinical testing. Allele origin: unknown.

Fulgent Genetics
Classification: Likely benign for Colorectal cancer, susceptibility to, 12; Facial dysmorphism-immunodeficiency-livedo-short stature syndrome; Intrauterine growth retardation, metaphyseal dysplasia, adrenal hypoplasia congenita, genital anomalies, and immunodeficiency. Last evaluated: 2021-07-14. Review status: criteria provided, single submitter. Criteria: ACMG Guidelines, 2015. Collection method: clinical testing. Allele origin: unknown.

GeneDx
Classification: Benign. Last evaluated: 2019-03-01. Review status: criteria provided, single submitter. Criteria: GeneDx Variant Classification Process June 2021. Collection method: clinical testing. Allele origin: germline. Affected: yes.

Genetic Services Laboratory, University of Chicago
Classification: Benign. Last evaluated: 2018-05-23. Review status: criteria provided, single submitter. Criteria: ACMG Guidelines, 2015. Collection method: clinical testing. Allele origin: germline. Affected: no.

PreventionGenetics, part of Exact Sciences
Classification: Benign. Last evaluated: 2018-01-10. Review status: criteria provided, single submitter. Criteria: ACMG Guidelines, 2015. Collection method: clinical testing. Allele origin: germline.

Women's Health and Genetics/Laboratory Corporation of America, LabCorp
Classification: Benign. Last evaluated: 2018-01-08. Review status: criteria provided, single submitter. Criteria: LabCorp Variant Classification Summary - May 2015. Collection method: clinical testing. Allele origin: germline.
Comment: Variant summary: The POLE c.846C>T (p.Pro282Pro) variant involves the alteration of a non-conserved nucleotide located in the DNA-directed DNA polymerase, family B, exonuclease domain (IPR006133) (InterPro), resulting in a synonymous change. One in silico tool predicts a damaging outcome for this variant. This variant was found in 282/277164 control chromosomes (2 homozygotes) in gnomAD at a frequency of 0.0010174, which is approximately 72 times the estimated maximal expected allele frequency of a pathogenic POLE variant (0.0000142), suggesting this variant is likely a benign polymorphism. In addition, multiple clinical diagnostic laboratories/reputable databases classified this variant as likely benign/benign. The variant of interest has not, to our knowledge, been reported in affected individuals via publications and/or reputable databases/clinical diagnostic laboratories; nor evaluated for functional impact by in vivo/vitro studies. Taken together, this variant is classified as benign.

Ambry Genetics
Classification: Benign for Hereditary cancer-predisposing syndrome. Last evaluated: 2015-08-22. Review status: criteria provided, single submitter. Criteria: Ambry Variant Classification Scheme 2023. Collection method: clinical testing. Allele origin: germline.

True Health Diagnostics
Classification: Likely benign for Hereditary cancer-predisposing syndrome. Last evaluated: 2018-10-04. Review status: no assertion criteria provided. Collection method: clinical testing. Allele origin: germline. Not counted in ClinVar's aggregate classification.